The following is an entry in ClinVar:

NM_003014.4(SFRP4):c.707C>T (p.Pro236Leu)

Gene: SFRP4 (secreted frizzled related protein 4; minus strand). Cytogenetic location: 7p14.1.
Variant type: single nucleotide variant.
Coding change: c.707C>T on transcript NM_003014.4 (MANE Select); coding-DNA position 707, C replaced by T.
Protein change: p.Pro236Leu; replaces proline 236 with leucine.
Molecular consequence: missense variant.
Genome position (GRCh38, 1-based): chr7:37,912,203, G>A on the plus strand (C>T on the coding strand, the complement: SFRP4 is on the minus strand). VCF-style: chr7-37912203-G-A. GRCh37 (hg19) VCF-style: chr7-37951805-G-A.
Other names: c.707C>T (NM_003014.3); short protein forms P236L.
Identifiers: ClinVar variation 1380573 (VCV001380573.6), dbSNP rs773522363, ClinGen allele CA4222753.

ClinVar aggregate classification (germline): Uncertain significance. Review status: criteria provided, multiple submitters, no conflicts (2 of 4 stars). 2 submissions from 2 submitters: Uncertain significance (2). Last evaluated 2024-11-11.

Conditions:
Inborn genetic diseases. Identifiers: MedGen C0950123, MeSH D030342.

Allele frequency attached by ClinVar (database versions not stated): gnomAD exomes below 0.00001 and 0.00001; ExAC 0.00001.
gnomAD v4.1: 9 of 1,614,104 alleles (0.00056%); highest among the groups gnomAD compares: Admixed American, 0.0033%; no homozygotes.

Submissions (2):

Ambry Genetics
Classification: Uncertain significance for Inborn genetic diseases. Last evaluated: 2024-11-11. Review status: criteria provided, single submitter. Criteria: Ambry Variant Classification Scheme 2023. Collection method: clinical testing. Allele origin: germline.

Labcorp Genetics (formerly Invitae), Labcorp
Classification: Uncertain significance. Last evaluated: 2022-11-22. Review status: criteria provided, single submitter. Criteria: Invitae Variant Classification Sherloc (09022015). Collection method: clinical testing. Allele origin: germline.
Comment: This variant has not been reported in the literature in individuals affected with SFRP4-related conditions. This sequence change replaces proline, which is neutral and non-polar, with leucine, which is neutral and non-polar, at codon 236 of the SFRP4 protein (p.Pro236Leu). This variant is present in population databases (rs773522363, gnomAD 0.006%). ClinVar contains an entry for this variant (Variation ID: 1380573). Algorithms developed to predict the effect of missense changes on protein structure and function output the following: SIFT: "Deleterious"; PolyPhen-2: "Benign"; Align-GVGD: "Class C0". The leucine amino acid residue is found in multiple mammalian species, which suggests that this missense change does not adversely affect protein function. In summary, the available evidence is currently insufficient to determine the role of this variant in disease. Therefore, it has been classified as a Variant of Uncertain Significance.